The following is an entry in ClinVar:

NM_001363118.2(SLC52A2):c.833G>T (p.Cys278Phe)

Gene: SLC52A2 (solute carrier family 52 member 2; plus strand). Cytogenetic location: 8q24.3.
Variant type: single nucleotide variant.
Coding change: c.833G>T on transcript NM_001363118.2 (MANE Select); coding-DNA position 833, G replaced by T.
Protein change: p.Cys278Phe; replaces cysteine 278 with phenylalanine.
Molecular consequence: missense variant. On other transcripts: non-coding transcript variant (1).
Genome position (GRCh38, 1-based): chr8:144,360,325, G>T. VCF-style: chr8-144360325-G-T. GRCh37 (hg19) VCF-style: chr8-145583985-G-T.
Other names: c.833G>T, p.Cys278Phe (NM_001253815.2, NM_001253816.2, NM_001363120.2 and 2 more transcripts); c.341G>T, p.Cys114Phe (NM_001363122.2); short protein forms C114F, C278F.
Identifiers: ClinVar variation 1393472 (VCV001393472.8), dbSNP rs2130645931, ClinGen allele CA372628064.
Genomic context (GRCh38, chr8:144,360,325, plus strand): 5'-CAGGCACCACCCCTGGTCCAGACCCTAAGGCCTATCAGCTTCTATCAGCCCGCAGTGCCT[G>T]CCTGCTGGGCCTGTTGGCCGCCACCAACGCGCTGACCAATGGCGTGCTGCCTGCCGTGCA-3'
Protein context (NP_001350047.1, residues 268-288): AYQLLSARSA[Cys278Phe]LLGLLAATNA

ClinVar aggregate classification (germline): Uncertain significance (1 of 4 stars; one submission).

Conditions:
Brown-Vialetto-van Laere syndrome 2. Also called: SPINOCEREBELLAR ATAXIA WITH BLINDNESS AND DEAFNESS 2; Riboflavin transporter deficiency type 2. Identifiers: Orphanet 572543, Orphanet 97229, MedGen C3553538, MONDO:0013867, OMIM 614707.

gnomAD v4.1: 1 of 1,609,520 alleles (0.000062%); no homozygotes.

Submission:

Labcorp Genetics (formerly Invitae), Labcorp
Classification: Uncertain significance for Brown-Vialetto-van Laere syndrome 2. Last evaluated: 2021-03-26. Review status: criteria provided, single submitter. Criteria: Invitae Variant Classification Sherloc (09022015). Collection method: clinical testing. Allele origin: germline.
Comment: In summary, the available evidence is currently insufficient to determine the role of this variant in disease. Therefore, it has been classified as a Variant of Uncertain Significance. Advanced modeling of protein sequence and biophysical properties (such as structural, functional, and spatial information, amino acid conservation, physicochemical variation, residue mobility, and thermodynamic stability) performed at Invitae indicates that this missense variant is not expected to disrupt SLC52A2 protein function. This variant has not been reported in the literature in individuals with SLC52A2-related conditions. This variant is not present in population databases (ExAC no frequency). This sequence change replaces cysteine with phenylalanine at codon 278 of the SLC52A2 protein (p.Cys278Phe). The cysteine residue is moderately conserved and there is a large physicochemical difference between cysteine and phenylalanine.